The following is an entry in ClinVar:

ClinVar aggregate classification (germline): other (0 of 4 stars; one submission).

Conditions:
Familial colorectal cancer. Identifiers: MedGen CN280943, MONDO:0023113. Disease mechanism: loss of function.

Allele frequency attached by ClinVar (database versions not stated): TOPMed below 0.00001; gnomAD 0.00001.
gnomAD v4.1: 1 of 151,870 alleles (0.00066%); highest among the groups gnomAD compares: Non-Finnish European, 0.0015%; no homozygotes.

Submission:

Systems Biology Platform Zhejiang California International NanoSystems Institute
Classification: other for Familial colorectal cancer. Review status: no assertion criteria provided. Collection method: not provided. Allele origin: unknown.
ClinVar note: Converted during submission from cancer to other.

NM_000038.6(APC):c.-18-7621C>A

Gene: APC (APC regulator of WNT signaling pathway; plus strand). Cytogenetic location: 5q22.2.
Variant type: single nucleotide variant.
Coding change: c.-18-7621C>A on transcript NM_000038.6 (MANE Select); 7621 bases into the intron before 18 bases upstream of the start codon, C replaced by A.
Molecular consequence: intron variant.
Genome position (GRCh38, 1-based): chr5:112,747,252, C>A. VCF-style: chr5-112747252-C-A. GRCh37 (hg19) VCF-style: chr5-112082949-C-A.
Other names: c.-18-7621C>A (NM_001354895.2, NM_001127510.3, NM_001354896.2 and 2 more transcripts); c.166-19074C>A (NM_001354897.2, NM_001354902.2, NM_001127511.3); c.60+8792C>A (NM_001354898.2, NM_001354904.2); c.-1053-7621C>A (NM_001354906.2); c.-43+9327C>A (NM_001354900.2, NM_001354901.2, NM_001354905.2).
Identifiers: ClinVar variation 82790 (VCV000082790.2), dbSNP rs78383074, ClinGen allele CA006208.